The following is an entry in ClinVar:

ClinVar aggregate classification (germline): Uncertain significance (1 of 4 stars; one submission).

Submission:

Ambry Genetics
Classification: Uncertain significance. Last evaluated: 2025-03-14. Review status: criteria provided, single submitter. Criteria: Ambry Variant Classification Scheme 2023. Collection method: clinical testing. Allele origin: germline.
Comment: The p.P326H variant (also known as c.977C>A), located in coding exon 1 of the CDK12 gene, results from a C to A substitution at nucleotide position 977. The proline at codon 326 is replaced by histidine, an amino acid with similar properties. This amino acid position is conserved. In addition, the in silico prediction for this alteration is inconclusive. Based on the available evidence, the clinical significance of this variant remains unclear.

NM_016507.4(CDK12):c.977C>A (p.Pro326His)

Genes: CDK12 (cyclin dependent kinase 12; plus strand), LOC126862553 (CDK7 strongly-dependent group 2 enhancer GRCh37_chr17:37618166-37619365; plus strand). Cytogenetic location: 17q12.
Variant type: single nucleotide variant.
Coding change: c.977C>A on transcript NM_016507.4 (MANE Select); coding-DNA position 977, C replaced by A.
Protein change: p.Pro326His; replaces proline 326 with histidine.
Molecular consequence: missense variant.
Genome position (GRCh38, 1-based): chr17:39,463,048, C>A. VCF-style: chr17-39463048-C-A. GRCh37 (hg19) VCF-style: chr17-37619301-C-A.
Other names: c.977C>A, p.Pro326His (NM_015083.4); short protein forms P326H.
Identifiers: ClinVar variation 3830797 (VCV003830797.1).